The following is an entry in ClinVar:

NM_012424.6(RPS6KC1):c.413G>A (p.Gly138Asp)

Gene: RPS6KC1 (ribosomal protein S6 kinase C1; plus strand). Cytogenetic location: 1q32.3.
Variant type: single nucleotide variant.
Coding change: c.413G>A on transcript NM_012424.6 (MANE Select); coding-DNA position 413, G replaced by A.
Protein change: p.Gly138Asp; replaces glycine 138 with aspartic acid.
Molecular consequence: missense variant. On other transcripts: 5 prime UTR variant (24), non-coding transcript variant (3), intron variant (3).
Genome position (GRCh38, 1-based): chr1:213,117,351, G>A. VCF-style: chr1-213117351-G-A. GRCh37 (hg19) VCF-style: chr1-213290693-G-A.
Other names: c.-802G>A (NM_001349672.2, NM_001287220.3, NM_001349666.2 and 1 more transcripts); c.-742-12176G>A (NM_001349671.2); c.-57+12782G>A (NM_001349657.2); c.-287+12782G>A (NM_001349663.2); c.377G>A, p.Gly126Asp (NM_001136138.4); c.-209G>A (NM_001287218.3, NM_001349650.2, NM_001349653.2 and 1 more transcripts); c.-131G>A (NM_001287219.3, NM_001287221.3, NM_001349648.2 and 1 more transcripts); c.413G>A, p.Gly138Asp (NM_001349646.2, NM_001349647.2); and 9 more; short protein forms G138D, G126D.
Identifiers: ClinVar variation 1480335 (VCV001480335.8), dbSNP rs2148892938, ClinGen allele CA344809010.
Genomic context (GRCh38, chr1:213,117,351, plus strand): 5'-AAACACAATTGCTCTTATCTCTTTAGGGTGGAATAATTAATGATAGTTCTGAATTAATTG[G>A]TCCTGCTGAAGCTCACTCAGATTCCCTCATTGATACCTTTCCTGAGTGTAGTACGGAAGG-3'
Protein context (NP_036556.2, residues 128-148): GIINDSSELI[Gly138Asp]PAEAHSDSLI

ClinVar aggregate classification (germline): Uncertain significance (1 of 4 stars; one submission).

Submission:

Labcorp Genetics (formerly Invitae), Labcorp
Classification: Uncertain significance. Last evaluated: 2022-08-31. Review status: criteria provided, single submitter. Criteria: Invitae Variant Classification Sherloc (09022015). Collection method: clinical testing. Allele origin: germline.
Comment: ClinVar contains an entry for this variant (Variation ID: 1480335). This variant has not been reported in the literature in individuals affected with RPS6KC1-related conditions. This variant is not present in population databases (gnomAD no frequency). This sequence change replaces glycine, which is neutral and non-polar, with aspartic acid, which is acidic and polar, at codon 138 of the RPS6KC1 protein (p.Gly138Asp). In summary, the available evidence is currently insufficient to determine the role of this variant in disease. Therefore, it has been classified as a Variant of Uncertain Significance. Algorithms developed to predict the effect of missense changes on protein structure and function are either unavailable or do not agree on the potential impact of this missense change (SIFT: "Tolerated"; PolyPhen-2: "Probably Damaging"; Align-GVGD: "Class C0").